The following is an entry in ClinVar:

NM_005909.5(MAP1B):c.3807G>T (p.Lys1269Asn)

Gene: MAP1B (microtubule associated protein 1B; plus strand). Cytogenetic location: 5q13.2.
Variant type: single nucleotide variant.
Coding change: c.3807G>T on transcript NM_005909.5 (MANE Select); coding-DNA position 3807, G replaced by T.
Protein change: p.Lys1269Asn; replaces lysine 1269 with asparagine.
Molecular consequence: missense variant.
Genome position (GRCh38, 1-based): chr5:72,197,162, G>T. VCF-style: chr5-72197162-G-T. GRCh37 (hg19) VCF-style: chr5-71492989-G-T.
Other names: c.3429G>T, p.Lys1143Asn (NM_001324255.2); c.3807G>T (NM_005909.3); short protein forms K1143N, K1269N.
Identifiers: ClinVar variation 3375202 (VCV003375202.2).

ClinVar aggregate classification (germline): Uncertain significance. Review status: criteria provided, multiple submitters, no conflicts (2 of 4 stars). 2 submissions from 2 submitters: Uncertain significance (2). Last evaluated 2024-12-30.

Conditions:
Inborn genetic diseases. Identifiers: MedGen C0950123, MeSH D030342.

gnomAD v4.1: 16 of 1,614,040 alleles (0.00099%); highest among the groups gnomAD compares: African/African-American, 0.015%; no homozygotes.

Submissions (2):

Ambry Genetics
Classification: Uncertain significance for Inborn genetic diseases. Last evaluated: 2024-12-30. Review status: criteria provided, single submitter. Criteria: Ambry Variant Classification Scheme 2023. Collection method: clinical testing. Allele origin: germline.

Women's Health and Genetics/Laboratory Corporation of America, LabCorp
Classification: Uncertain significance. Last evaluated: 2024-09-25. Review status: criteria provided, single submitter. Criteria: LabCorp Variant Classification Summary - May 2015. Collection method: clinical testing. Allele origin: germline.
Comment: Variant summary: MAP1B c.3807G>T (p.Lys1269Asn) results in a non-conservative amino acid change in the encoded protein sequence. Three of five in-silico tools predict a damaging effect of the variant on protein function. The variant allele was found at a frequency of 2.4e-05 in 251358 control chromosomes. The available data on variant occurrences in the general population are insufficient to allow any conclusion about variant significance. To our knowledge, no occurrence of c.3807G>T in individuals affected with Periventricular Nodular Heterotopia 9 and no experimental evidence demonstrating its impact on protein function have been reported. No submitters have cited clinical-significance assessments for this variant to ClinVar. Based on the evidence outlined above, the variant was classified as uncertain significance.